The following is an entry in ClinVar:

NM_000152.5(GAA):c.2780C>T (p.Thr927Ile)

Gene: GAA (alpha glucosidase; plus strand). Cytogenetic location: 17q25.3.
Variant type: single nucleotide variant.
Coding change: c.2780C>T on transcript NM_000152.5 (MANE Select); coding-DNA position 2780, C replaced by T.
Protein change: p.Thr927Ile; replaces threonine 927 with isoleucine.
Molecular consequence: missense variant.
Genome position (GRCh38, 1-based): chr17:80,118,786, C>T. VCF-style: chr17-80118786-C-T. GRCh37 (hg19) VCF-style: chr17-78092585-C-T.
Other names: c.2780C>T, p.Thr927Ile (NM_001079803.3, NM_001079804.3, LRG_673t1); short protein forms T927I.
Identifiers: ClinVar variation 92482 (VCV000092482.33), dbSNP rs1800315, ClinGen allele CA145778.

ClinVar aggregate classification (germline): Benign. Review status: reviewed by expert panel (3 of 4 stars). 16 submissions from 16 submitters: Benign (1). 15 of the submissions do not count toward it. Last evaluated 2020-01-23.

Conditions:
Cardiovascular phenotype. Identifiers: MedGen CN230736.
Glycogen storage disease, type II (IOPD). Also called: POMPE DISEASE, INFANTILE-ONSET; GLYCOGEN STORAGE DISEASE II, INFANTILE-ONSET; ACID ALPHA-GLUCOSIDASE DEFICIENCY, INFANTILE-ONSET; GAA DEFICIENCY, INFANTILE-ONSET; ACID MALTASE DEFICIENCY, INFANTILE-ONSET; Pompe Disease. Identifiers: Orphanet 365, MedGen C0017921, MONDO:0009290, OMIM 232300.

Allele frequency attached by ClinVar (database versions not stated): gnomAD exomes 0.01880 and 0.01008; gnomAD 0.04402 and 0.04283; TOPMed 0.04469; ESP Exome Variant Server 0.04706; 1000 Genomes Project 0.05431; 1000 Genomes Project 30x 0.05778; ExAC 0.02202.

Submissions (16):

ClinGen Lysosomal Storage Disorder Variant Curation Expert Panel
Classification: Benign for Glycogen storage disease, type II. Last evaluated: 2020-01-23. Review status: reviewed by expert panel. Criteria: ClinGen LSD ACMG Specifications v1. Collection method: curation. Allele origin: germline. Inheritance: Autosomal recessive inheritance.
Comment: The highest continental population minor allele frequency for c.2780C>T (p.Thr927Ile) in gnomAD v2.1.1 is 0.1317 in the African population. This is higher than the ClinGen LSD VCEP's BA1 threshold (>0.01), therefore meeting the BA1 criterion. There is a ClinVar entry for this variant (Variation ID: 92482; 2 star review status) with six submitters classifying the variant as benign, and two as likely benign. In summary, this variant meets the criteria to be classified as benign for Pompe disease. GAA-specific ACMG/AMP criteria applied, as specified by the ClinGen LSD VCEP: BA1.

Genomenon, Inc
Classification: Benign for Glycogen storage disease, type II. Last evaluated: 2026-07-01. Review status: criteria provided, single submitter. Criteria: Genomenon Sequence Variant Interpretation Standards - Updated. Collection method: curation. Allele origin: germline. Affected: no. Not counted in ClinVar's aggregate classification.
Comment: GAA p.Thr927Ile (c.2780C>T) is a missense variant that changes the amino acid at codon 927 from Threonine to Isoleucine. This variant is present at high allele frequency in population databases. We classify GAA p.Thr927Ile (c.2780C>T) as a benign variant.

Labcorp Genetics (formerly Invitae), Labcorp
Classification: Benign for Glycogen storage disease, type II. Last evaluated: 2026-02-04. Review status: criteria provided, single submitter. Criteria: Invitae Variant Classification Sherloc (09022015). Collection method: clinical testing. Allele origin: germline. Not counted in ClinVar's aggregate classification.

Blueprint Genetics
Classification: Benign. Last evaluated: 2024-11-27. Review status: criteria provided, single submitter. Criteria: ACMG Guidelines, 2015. Collection method: clinical testing. Allele origin: germline. Not counted in ClinVar's aggregate classification.

Ambry Genetics
Classification: Benign for Cardiovascular phenotype. Last evaluated: 2020-03-19. Review status: criteria provided, single submitter. Criteria: Ambry Variant Classification Scheme 2023. Collection method: clinical testing. Allele origin: germline. Not counted in ClinVar's aggregate classification.

Illumina Laboratory Services, Illumina
Classification: Benign for Glycogen storage disease, type II. Last evaluated: 2018-01-13. Review status: criteria provided, single submitter. Criteria: ICSL Variant Classification Criteria 13 December 2019. Collection method: clinical testing. Allele origin: germline. Not counted in ClinVar's aggregate classification.
Comment: This variant was observed in the ICSL laboratory as part of a predisposition screen in an ostensibly healthy population. It had not been previously curated by ICSL or reported in the Human Gene Mutation Database (HGMD: prior to June 1st, 2018), and was therefore a candidate for classification through an automated scoring system. Utilizing variant allele frequency, disease prevalence and penetrance estimates, and inheritance mode, an automated score was calculated to assess if this variant is too frequent to cause the disease. Based on the score and internal cut-off values, a variant classified as benign is not then subjected to further curation. The score for this variant resulted in a classification of benign for this disease.

Phosphorus, Inc.
Classification: Benign for Glycogen storage disease, type II. Last evaluated: 2017-08-01. Review status: criteria provided, single submitter. Criteria: ACMG Guidelines, 2015. Collection method: clinical testing. Allele origin: germline. Observed: 1 variant allele. Not counted in ClinVar's aggregate classification.

GeneDx
Classification: Benign. Last evaluated: 2015-12-10. Review status: criteria provided, single submitter. Criteria: GeneDx Variant Classification (06012015). Collection method: clinical testing. Allele origin: germline. Affected: yes. Not counted in ClinVar's aggregate classification.
Comment: This variant is considered likely benign or benign based on one or more of the following criteria: it is a conservative change, it occurs at a poorly conserved position in the protein, it is predicted to be benign by multiple in silico algorithms, and/or has population frequency not consistent with disease.

Eurofins Ntd Llc (ga)
Classification: Benign. Last evaluated: 2013-08-13. Review status: criteria provided, single submitter. Criteria: EGL Classification Definitions 2015. Collection method: clinical testing. Allele origin: germline. Observed: 8 variant alleles, 8 heterozygotes. Not counted in ClinVar's aggregate classification.

Breakthrough Genomics
Classification: Benign. Review status: criteria provided, single submitter. Criteria: ACMG Guidelines, 2015. Collection method: not provided. Allele origin: germline. Inheritance: Autosomal recessive inheritance. Affected: yes. Not counted in ClinVar's aggregate classification.

PreventionGenetics, part of Exact Sciences
Classification: Benign. Review status: criteria provided, single submitter. Criteria: ACMG Guidelines, 2015. Collection method: clinical testing. Allele origin: germline. Not counted in ClinVar's aggregate classification.

Natera, Inc.
Classification: Benign for Glycogen storage disease type II. Last evaluated: 2020-09-16. Review status: no assertion criteria provided. Collection method: clinical testing. Allele origin: germline. Not counted in ClinVar's aggregate classification.

Mayo Clinic Laboratories, Mayo Clinic
Classification: Benign. Last evaluated: 2017-05-17. Review status: no assertion criteria provided. Collection method: clinical testing. Allele origin: unknown. Not counted in ClinVar's aggregate classification.

Genetic Services Laboratory, University of Chicago
Classification: Likely benign for AllHighlyPenetrant. Review status: no assertion criteria provided. Collection method: clinical testing. Allele origin: germline. Inheritance: Autosomal recessive inheritance. Not counted in ClinVar's aggregate classification.
Comment: Likely benign based on allele frequency in 1000 Genomes Project or ESP global frequency and its presence in a patient with a rare or unrelated disease phenotype. NOT Sanger confirmed.

Genome Diagnostics Laboratory, University Medical Center Utrecht
Classification: Benign. Review status: no assertion criteria provided. Collection method: clinical testing. Allele origin: germline. Affected: yes. Study: VKGL Data-share Consensus. Not counted in ClinVar's aggregate classification.

Laboratory of Diagnostic Genome Analysis, Leiden University Medical Center (LUMC)
Classification: Likely benign. Review status: no assertion criteria provided. Collection method: clinical testing. Allele origin: germline. Affected: yes. Study: VKGL Data-share Consensus. Not counted in ClinVar's aggregate classification.

Literature cited by the submitters: PubMed 9425285 (cited by Phosphorus, Inc.); PubMed 17210890 (cited by Phosphorus, Inc.); PubMed 22676651 (cited by Phosphorus, Inc.); PubMed 23757202 (cited by Phosphorus, Inc.).